The following is an entry in ClinVar:

ClinVar aggregate classification (germline): Pathogenic. Review status: criteria provided, multiple submitters, no conflicts (2 of 4 stars). 25 submissions from 25 submitters: Pathogenic (23). 2 of the submissions do not count toward it. Last evaluated 2026-03-26.

Conditions:
IFITM5-related disorder. Also called: IFITM5-related condition.
IFITM5-related disorders.
Osteogenesis imperfecta type 5 (OI5). Also called: OSTEOGENESIS IMPERFECTA, TYPE V; OI type 5; Type V OI. Identifiers: Orphanet 216828, MedGen C2931093, MONDO:0012591, OMIM 610967.
Osteogenesis imperfecta (OI). Identifiers: Orphanet 666, MedGen C0029434, MeSH D010013, MONDO:0019019.
Postmenopausal osteoporosis. Also called: BONE MINERAL DENSITY QUANTITATIVE TRAIT LOCUS; OSTEOPOROSIS, INVOLUTIONAL. Identifiers: MedGen C0029458, MONDO:0008159.

gnomAD v4.1: 1 of 1,457,938 alleles (0.000069%); no homozygotes.

Submissions 1 to 10 of 25:

Dasa
Classification: Pathogenic for Osteogenesis imperfecta type 5. Last evaluated: 2026-03-26. Review status: criteria provided, single submitter. Criteria: DASA Assertion Criteria. Collection method: clinical testing. Allele origin: germline.
Comment: NM_001025295.3(IFITM5):c.-14C>T creates an alternative start codon leading to an N-terminally altered protein, with functional evidence and recurrent observation in individuals with osteogenesis imperfecta type 5 (PMID: 25251575). Based on the available data, this variant is classified as pathogenic.

PreventionGenetics, part of Exact Sciences
Classification: Pathogenic for IFITM5-related condition. Last evaluated: 2026-02-18. Review status: criteria provided, single submitter. Criteria: ACMG Guidelines, 2015. Collection method: clinical testing. Allele origin: germline.
Comment: The IFITM5 c.-14C>T variant is located in the 5' untranslated region. This variant is in the 5’ untranslated region (5’UTR) of the gene and is a known recurrent pathogenic variant in patients with osteogenesis imperfecta type V (see example: Cho et al. 2012. PubMed ID: 22863190; Lazarus et al. 2014. PubMed ID: 24674092; Mrosk et al. 2018. PubMed ID: 29499418). Functional studies have shown that this variant introduces a novel in frame start codon in the 5’UTR of the gene and results in a longer protein (Lazarus et al. 2014. PubMed ID: 24674092). This variant has not been reported in a large population database, indicating this variant is rare. This variant is interpreted as pathogenic.

Labcorp Genetics (formerly Invitae), Labcorp
Classification: Pathogenic. Last evaluated: 2026-01-12. Review status: criteria provided, single submitter. Criteria: Invitae Variant Classification Sherloc (09022015). Collection method: clinical testing. Allele origin: germline.
Comment: This variant occurs in a non-coding region of the IFITM5 gene. It does not change the encoded amino acid sequence of the IFITM5 protein. This variant is not present in population databases (gnomAD no frequency). This variant has been observed in individual(s) with osteogenesis imperfecta (PMID: 22863190, 23977282, 31099171). In at least one individual the variant was observed to be de novo. It has also been observed to segregate with disease in related individuals. ClinVar contains an entry for this variant (Variation ID: 37143). For these reasons, this variant has been classified as Pathogenic.

CeGaT Center for Human Genetics Tuebingen
Classification: Pathogenic. Last evaluated: 2025-10-01. Review status: criteria provided, single submitter. Criteria: CeGaT Center For Human Genetics Tuebingen Variant Classification Criteria Version 2. Collection method: clinical testing. Allele origin: germline. Affected: yes. Observed: 2 variant alleles.
Comment: IFITM5: PM6:Very Strong, PS4, PM2, PP4, PS3:Supporting

Clinical Biomedical Laboratory, Shriners Hospital For Children - Canada
Classification: Pathogenic for Osteogenesis imperfecta type 5. Last evaluated: 2025-05-12. Review status: criteria provided, single submitter. Criteria: ACMG Guidelines, 2015. Collection method: clinical testing. Allele origin: germline. Affected: yes.
Comment: This variant is predicted to add 5 amino acids to the N-terminus of IFITM5. This variant is absent from the Genome Aggregation Database (v.2.1.1). This variant has been reported in the literature numerous times in patients diagnosed with osteogenesis imperfecta type V (PMID 22863190, 23240094, 27509835). We have observed this specific variant in our laboratory variant database in more than 20 individuals diagnosed with osteogenesis imperfecta type V.

Blueprint Genetics
Classification: Pathogenic for IFITM5-related disorders. Last evaluated: 2024-10-14. Review status: criteria provided, single submitter. Criteria: ACMG Guidelines, 2015. Collection method: clinical testing. Allele origin: germline. Affected: yes. Observed: 5 variant alleles.

Fulgent Genetics
Classification: Pathogenic for Osteogenesis imperfecta type 5. Last evaluated: 2024-04-06. Review status: criteria provided, single submitter. Criteria: ACMG Guidelines, 2015. Collection method: clinical testing. Allele origin: germline.

Laboratory of Medical Genetics, National & Kapodistrian University of Athens
Classification: Pathogenic for Osteogenesis imperfecta type 5. Last evaluated: 2023-12-01. Review status: criteria provided, single submitter. Criteria: ACMG Guidelines, 2015. Collection method: clinical testing. Allele origin: germline. Affected: yes.
Comment: PS3, PS4, PM2, PP5 - Well-established functional studies show damaging effect on the gene or gene product. Low frequency in gnomAD population databases. This variant has been previously reported as causative for Osteogenesis imperfecta. (PMID:38681748).

ARUP Laboratories, Molecular Genetics and Genomics, ARUP Laboratories
Classification: Pathogenic for Osteogenesis imperfecta type 5. Last evaluated: 2023-09-25. Review status: criteria provided, single submitter. Criteria: ARUP Molecular Germline Variant Investigation Process 2024. Collection method: clinical testing. Allele origin: germline.
Comment: The IFITM5 c.-14C>T variant (rs587776916) is reported in the literature as a recurrent variant in individuals affected with osteogenesis imperfecta type V, including several de novo occurrences (Cho 2012, Lazarus 2014, Maddirevula 2018, Rauch 2013, Shapiro 2013, Tyurin 2022, Zhytnik 2019). This variant is also reported in ClinVar (Variation ID: 37143), but is absent from the Genome Aggregation Database, indicating it is not a common polymorphism. This variant is located in the 5' untranslated region and creates a novel protein translation start codon, resulting in the addition of five amino acids (Cho 2012, Lazarus 2014). Based on available information, this variant is considered to be pathogenic. References: Cho TJ et al. A single recurrent mutation in the 5'-UTR of IFITM5 causes osteogenesis imperfecta type V. Am J Hum Genet. 2012 Aug 10;91(2):343-8. PMID: 22863190. Lazarus S et al. The IFITM5 mutation c.-14C > T results in an elongated transcript expressed in human bone; and causes varying phenotypic severity of osteogenesis imperfecta type V. BMC Musculoskelet Disord. 2014 Mar 27;15:107. PMID: 24674092. Maddirevula S et al. Expanding the phenome and variome of skeletal dysplasia. Genet Med. 2018 Dec;20(12):1609-1616. PMID: 29620724. Rauch F et al. Osteogenesis imperfecta type V: marked phenotypic variability despite the presence of the IFITM5 c.-14C>T mutation in all patients. J Med Genet. 2013 Jan;50(1):21-4. PMID: 23240094. Shapiro JR et al. Phenotypic variability of osteogenesis imperfecta type V caused by an IFITM5 mutation. J Bone Miner Res. 2013 Jul;28(7):1523-30. PMID: 23408678. Tyurin A et al. Does the c.-14C>T Mutation in the IFITM5 Gene Provide Identical Phenotypes for Osteogenesis Imperfecta Type V? Data from Russia and a Literature Review. Biomedicines. 2022 Sep 22;10(10):2363. PMID: 36289625. Zhytnik L et al. IFITM5 pathogenic variant causes osteogenesis imperfecta V with various phenotype severity in Ukrainian and Vietnamese patients. Hum Genomics. 2019 Jun 3;13(1):25. PMID: 31159867.

Victorian Clinical Genetics Services, Murdoch Childrens Research Institute
Classification: Pathogenic for Osteogenesis imperfecta type 5. Last evaluated: 2023-07-17. Review status: criteria provided, single submitter. Criteria: ACMG Guidelines, 2015. Collection method: clinical testing. Allele origin: germline. Inheritance: Autosomal dominant inheritance. Affected: yes.
Comment: Based on the classification scheme VCGS_Germline_v1.3.4, this variant is classified as Pathogenic. Following criteria are met: 0101 - Neomorphic gain of function is the proposed mechanism of disease in this gene and is associated with osteogenesis imperfecta, type V (MIM# 610967) (PMID: 35216266). (I) 0107 - This gene is associated with autosomal dominant disease. (I) 0217 - Non-coding variant shown to affect the translated protein. This variant introduces an alternative in-frame translation start site upstream, resulting in 5 additional amino acids at the N-terminus (PMIDs: 22863190, 22863195). (SP) 0251 - This variant is heterozygous. (I) 0301 - Variant is absent from gnomAD (both v2 and v3). (SP) 0801 - This variant has strong previous evidence of pathogenicity in unrelated individuals. It has been reported in more than 15 unrelated patients with osteogenesis imperfecta type V (ClinVar; PMIDs: 22863190, 22863195, 31159867). (SP) 1002 - This variant has moderate functional evidence supporting abnormal protein function. Knockin mice embryos with this variant revealed skeletal anomalies (PMID: 29174564). In addition, when overexpressed in MC3T3-E1 and MLO-A5 cells, this variant activated the reporters dependent on MEF2, NFATc, and NR4A significantly compared to wild type (PMID: 35216266). (SP) Legend: (SP) - Supporting pathogenic, (I) - Information, (SB) - Supporting benign

NM_001025295.3(IFITM5):c.-14C>T

Genes: IFITM5 (interferon induced transmembrane protein 5; minus strand), PGGHG (protein-glucosylgalactosylhydroxylysine glucosidase; plus strand). Cytogenetic location: 11p15.5.
Variant type: single nucleotide variant.
Coding change: c.-14C>T on transcript NM_001025295.3 (MANE Select); 14 bases upstream of the start codon, C replaced by T.
Molecular consequence: 5 prime UTR variant.
Genome position (GRCh38, 1-based): chr11:299,504, G>A on the plus strand (C>T on the coding strand, the complement: IFITM5 is on the minus strand). VCF-style: chr11-299504-G-A. GRCh37 (hg19) VCF-style: chr11-299504-G-A.
Other names: -14C-T, 5-PRIME UTR.
Identifiers: ClinVar variation 37143 (VCV000037143.74), dbSNP rs587776916, ClinGen allele CA130091.